The following is an entry in ClinVar:

NM_001256545.2(MEGF10):c.3245G>C (p.Ser1082Thr)

Gene: MEGF10 (multiple EGF like domains 10; plus strand). Cytogenetic location: 5q23.2.
Variant type: single nucleotide variant.
Coding change: c.3245G>C on transcript NM_001256545.2 (MANE Select); coding-DNA position 3245, G replaced by C.
Protein change: p.Ser1082Thr; replaces serine 1082 with threonine.
Molecular consequence: missense variant.
Genome position (GRCh38, 1-based): chr5:127,457,140, G>C. VCF-style: chr5-127457140-G-C. GRCh37 (hg19) VCF-style: chr5-126792832-G-C.
Other names: c.3245G>C, p.Ser1082Thr (NM_032446.3); short protein forms S1082T.
Identifiers: ClinVar variation 2194972 (VCV002194972.4), dbSNP rs1414959589, ClinGen allele CA360719038.

ClinVar aggregate classification (germline): Uncertain significance (1 of 4 stars; one submission).

Conditions:
MEGF10-related myopathy (CMYO10A). Also called: Congenital myopathy 10A, severe variant. Identifiers: Orphanet 439212, MedGen C3280679, MONDO:0013731, OMIM 614399.

gnomAD v4.1: 6 of 1,612,560 alleles (0.00037%); highest among the groups gnomAD compares: Admixed American, 0.0017%; no homozygotes.

Submission:

Labcorp Genetics (formerly Invitae), Labcorp
Classification: Uncertain significance for MEGF10-related myopathy. Last evaluated: 2021-12-27. Review status: criteria provided, single submitter. Criteria: Invitae Variant Classification Sherloc (09022015). Collection method: clinical testing. Allele origin: germline.
Comment: In summary, the available evidence is currently insufficient to determine the role of this variant in disease. Therefore, it has been classified as a Variant of Uncertain Significance. Algorithms developed to predict the effect of missense changes on protein structure and function (SIFT, PolyPhen-2, Align-GVGD) all suggest that this variant is likely to be tolerated. This sequence change replaces serine, which is neutral and polar, with threonine, which is neutral and polar, at codon 1082 of the MEGF10 protein (p.Ser1082Thr). This variant is present in population databases (no rsID available, gnomAD 0.003%). This variant has not been reported in the literature in individuals affected with MEGF10-related conditions.